The following is an entry in ClinVar:

NM_001042492.3(NF1):c.5167C>T (p.Gln1723Ter)

Gene: NF1 (neurofibromin 1; plus strand). Cytogenetic location: 17q11.2.
Variant type: single nucleotide variant.
Coding change: c.5167C>T on transcript NM_001042492.3 (MANE Select); coding-DNA position 5167, C replaced by T.
Protein change: p.Gln1723Ter; replaces glutamine 1723 with a stop codon.
Molecular consequence: nonsense.
Genome position (GRCh38, 1-based): chr17:31,326,151, C>T. VCF-style: chr17-31326151-C-T. GRCh37 (hg19) VCF-style: chr17-29653169-C-T.
Other names: c.5104C>T, p.Gln1702Ter (NM_000267.4); short protein forms Q1702*, Q1723*.
Identifiers: ClinVar variation 1333529 (VCV001333529.13), dbSNP rs766727694, ClinGen allele CA399007886.
Genomic context (GRCh38, chr17:31,326,151, plus strand): 5'-AGCAAAAGGCTTGTTTTCATAGACTGTCCTGGGAAACTGGCTGAGCACATAGAGCATGAA[C>T]AACAGAAACTACCTGCTGCCACCTTGGCTTTAGAAGAGGACCTGAAGGTATTCCACAATG-3'

ClinVar aggregate classification (germline): Pathogenic. Review status: criteria provided, multiple submitters, no conflicts (2 of 4 stars). 7 submissions from 7 submitters: Pathogenic (6). 1 of the submissions does not count toward it. Last evaluated 2024-09-30.

Conditions:
Juvenile myelomonocytic leukemia (JMML). Also called: LEUKEMIA, JUVENILE MYELOMONOCYTIC, SOMATIC. Identifiers: Orphanet 86834, MedGen C0349639, MONDO:0011908, OMIM 607785, HP:0012209.
Malignant tumor of urinary bladder. Also called: Urinary bladder cancer; Bladder cancer; Urinary Bladder Neoplasms. Identifiers: MedGen C0005684, MONDO:0001187, OMIM 109800.
Cardiovascular phenotype. Identifiers: MedGen CN230736.
Hereditary cancer-predisposing syndrome. Also called: Hereditary Cancer Syndrome; Hereditary neoplastic syndrome; Neoplastic Syndromes, Hereditary; Tumor predisposition. Identifiers: Orphanet 140162, MedGen C0027672, MeSH D009386, MONDO:0015356.
Neurofibromatosis, type 1 (NF1). Also called: Peripheral type neurofibromatosis; Neurofibromatosis, type I; VON RECKLINGHAUSEN DISEASE; NEUROFIBROMATOSIS, TYPE I, SOMATIC. Identifiers: Orphanet 636, MedGen C0027831, MONDO:0018975, OMIM 162200. Disease mechanism: loss of function.

Submissions (7):

GeneDx
Classification: Pathogenic. Last evaluated: 2024-09-30. Review status: criteria provided, single submitter. Criteria: GeneDx Variant Classification Process June 2021. Collection method: clinical testing. Allele origin: germline. Affected: yes.
Comment: Nonsense variant predicted to result in protein truncation or nonsense mediated decay in a gene for which loss of function is a known mechanism of disease; Not observed at significant frequency in large population cohorts (gnomAD); This variant is associated with the following publications: (PMID: 23913538, 25541118)

Baylor Genetics
Classification: Pathogenic for Juvenile myelomonocytic leukemia. Last evaluated: 2024-03-12. Review status: criteria provided, single submitter. Criteria: ACMG Guidelines, 2015. Collection method: clinical testing. Allele origin: unknown.

Ambry Genetics
Classification: Pathogenic for Cardiovascular phenotype; Hereditary cancer-predisposing syndrome. Last evaluated: 2023-08-02. Review status: criteria provided, single submitter. Criteria: Ambry Variant Classification Scheme 2023. Collection method: clinical testing. Allele origin: germline.
Comment: The p.Q1702* pathogenic mutation (also known as c.5104C>T), located in coding exon 36 of the NF1 gene, results from a C to T substitution at nucleotide position 5104. This changes the amino acid from a glutamine to a stop codon within coding exon 36. This variant was identified in 1 of 565 unrelated French probands with clinical diagnoses or suspicion of NF1 (Sabbagh A et al. Hum Mutat, 2013 Nov;34:1510-8). This variant is considered to be rare based on population cohorts in the Genome Aggregation Database (gnomAD). This alteration is expected to result in loss of function by premature protein truncation or nonsense-mediated mRNA decay. As such, this alteration is interpreted as a disease-causing mutation.

Genome-Nilou Lab
Classification: Pathogenic for Neurofibromatosis, type 1. Last evaluated: 2022-03-15. Review status: criteria provided, single submitter. Criteria: ACMG Guidelines, 2015. Collection method: clinical testing. Allele origin: germline. Affected: no.

3billion
Classification: Pathogenic for Neurofibromatosis, type 1. Last evaluated: 2022-01-03. Review status: criteria provided, single submitter. Criteria: ACMG Guidelines, 2015. Collection method: clinical testing. Allele origin: germline. Affected: yes. Observed: 1 heterozygote.
Comment: Stop-gained (nonsense): predicted to result in a loss or disruption of normal protein function through nonsense-mediated decay (NMD) or protein truncation. Multiple pathogenic variants are reported downstream of the variant (PVS1_VS). It is not observed in the gnomAD v2.1.1 dataset (PM2_M). The variant has been reported to be associated with NF1 related disorder (PMID:23913538).Therefore, this variant is classified as pathogenic according to the recommendation of ACMG/AMP guideline.

Labcorp Genetics (formerly Invitae), Labcorp
Classification: Pathogenic for Neurofibromatosis, type 1. Last evaluated: 2021-03-29. Review status: criteria provided, single submitter. Criteria: Invitae Variant Classification Sherloc (09022015). Collection method: clinical testing. Allele origin: germline.
Comment: This variant has been observed in individual(s) with neurofibromatosis type 1 (PMID: 23913538, 25541118). This variant is not present in population databases (ExAC no frequency). This sequence change creates a premature translational stop signal (p.Gln1702*) in the NF1 gene. It is expected to result in an absent or disrupted protein product. Loss-of-function variants in NF1 are known to be pathogenic (PMID: 10712197, 23913538). For these reasons, this variant has been classified as Pathogenic.

Laboratory of Urology, Hospital Clinic de Barcelona
Classification: Pathogenic for Malignant tumor of urinary bladder. Review status: no assertion criteria provided. Collection method: research. Allele origin: somatic. Affected: yes. Not counted in ClinVar's aggregate classification.

Literature cited by the submitters: PubMed 23913538 (cited by 3billion and Labcorp Genetics (formerly Invitae), Labcorp); PubMed 25541118 (cited by Labcorp Genetics (formerly Invitae), Labcorp); PubMed 10712197 (cited by Labcorp Genetics (formerly Invitae), Labcorp).